The following is an entry in ClinVar:

NM_000416.3(IFNGR1):c.33G>A (p.Met11Ile)

Gene: IFNGR1 (interferon gamma receptor 1; minus strand). Cytogenetic location: 6q23.3.
Variant type: single nucleotide variant.
Coding change: c.33G>A on transcript NM_000416.3 (MANE Select); coding-DNA position 33, G replaced by A.
Protein change: p.Met11Ile; replaces methionine 11 with isoleucine.
Molecular consequence: missense variant.
Genome position (GRCh38, 1-based): chr6:137,219,295, C>T on the plus strand (G>A on the coding strand, the complement: IFNGR1 is on the minus strand). VCF-style: chr6-137219295-C-T. GRCh37 (hg19) VCF-style: chr6-137540432-C-T.
Other names: short protein forms M11I.
Identifiers: ClinVar variation 1349672 (VCV001349672.8), dbSNP rs1436185223, ClinGen allele CA365776490.
Genomic context (GRCh38, chr6:137,219,295, plus strand): 5'-GACGGTACCTGAGGACGGCCCCAGATCCGCGGTGCCCATCTCAGCCCTGCTCACACCCTG[C>T]ATGACAAGGGGTAGGAGAAAGAGGAGAGCCATGCTGCTACCGACGGTCGCTGGCTCCAAC-3'
Protein context (NP_000407.1, residues 1-21): MALLFLLPLV[Met11Ile]QGVSRAEMGT

ClinVar aggregate classification (germline): Uncertain significance (1 of 4 stars; one submission).

Conditions:
Disseminated atypical mycobacterial infection. Identifiers: MedGen C0694566.

Allele frequency attached by ClinVar (database versions not stated): gnomAD exomes below 0.00001.

Submission:

Labcorp Genetics (formerly Invitae), Labcorp
Classification: Uncertain significance for Disseminated atypical mycobacterial infection. Last evaluated: 2023-11-19. Review status: criteria provided, single submitter. Criteria: Invitae Variant Classification Sherloc (09022015). Collection method: clinical testing. Allele origin: germline.
Comment: This sequence change replaces methionine, which is neutral and non-polar, with isoleucine, which is neutral and non-polar, at codon 11 of the IFNGR1 protein (p.Met11Ile). The frequency data for this variant in the population databases is considered unreliable, as metrics indicate poor data quality at this position in the gnomAD database. This variant has not been reported in the literature in individuals affected with IFNGR1-related conditions. ClinVar contains an entry for this variant (Variation ID: 1349672). An algorithm developed to predict the effect of missense changes on protein structure and function (PolyPhen-2) suggests that this variant is likely to be tolerated. In summary, the available evidence is currently insufficient to determine the role of this variant in disease. Therefore, it has been classified as a Variant of Uncertain Significance.